The following is an entry in ClinVar:

NM_007186.6(CEP250):c.4639G>A (p.Asp1547Asn)

Gene: CEP250 (centrosomal protein 250; plus strand). Cytogenetic location: 20q11.22.
Variant type: single nucleotide variant.
Coding change: c.4639G>A on transcript NM_007186.6 (MANE Select); coding-DNA position 4639, G replaced by A.
Protein change: p.Asp1547Asn; replaces aspartic acid 1547 with asparagine.
Molecular consequence: missense variant.
Genome position (GRCh38, 1-based): chr20:35,503,008, G>A. VCF-style: chr20-35503008-G-A. GRCh37 (hg19) VCF-style: chr20-34090836-G-A.
Other names: c.2743G>A, p.Asp915Asn (NM_001318219.1); short protein forms D1547N, D915N.
Identifiers: ClinVar variation 1446711 (VCV001446711.8), dbSNP rs1470874110, ClinGen allele CA408748947.

ClinVar aggregate classification (germline): Uncertain significance (1 of 4 stars; one submission).

Allele frequency attached by ClinVar (database versions not stated): gnomAD exomes below 0.00001.
gnomAD v4.1: 1 of 1,614,176 alleles (0.000062%); highest among the groups gnomAD compares: Admixed American, 0.0017%; no homozygotes.

Submission:

Labcorp Genetics (formerly Invitae), Labcorp
Classification: Uncertain significance. Last evaluated: 2021-06-01. Review status: criteria provided, single submitter. Criteria: Invitae Variant Classification Sherloc (09022015). Collection method: clinical testing. Allele origin: germline.
Comment: In summary, the available evidence is currently insufficient to determine the role of this variant in disease. Therefore, it has been classified as a Variant of Uncertain Significance. Algorithms developed to predict the effect of missense changes on protein structure and function are either unavailable or do not agree on the potential impact of this missense change (SIFT: "Not Available"; PolyPhen-2: "Probably Damaging"; Align-GVGD: "Not Available"). This variant has not been reported in the literature in individuals with CEP250-related conditions. This variant is not present in population databases (ExAC no frequency). This sequence change replaces aspartic acid with asparagine at codon 1547 of the CEP250 protein (p.Asp1547Asn). The aspartic acid residue is moderately conserved and there is a small physicochemical difference between aspartic acid and asparagine.